The following is an entry in ClinVar:

ClinVar aggregate classification (germline): Uncertain significance (1 of 4 stars; one submission).

Submission:

GeneDx
Classification: Uncertain significance. Last evaluated: 2020-01-17. Review status: criteria provided, single submitter. Criteria: GeneDx Variant Classification Process June 2021. Collection method: clinical testing. Allele origin: germline. Affected: yes.
Comment: Not observed in large population cohorts (Lek et al., 2016); In silico analysis, which includes protein predictors and evolutionary conservation, supports a deleterious effect; Has not been previously published as pathogenic or benign to our knowledge

NM_001379200.1(TBX1):c.781A>G (p.Ser261Gly)

Gene: TBX1 (T-box transcription factor 1; plus strand). Cytogenetic location: 22q11.21.
Variant type: single nucleotide variant.
Coding change: c.781A>G on transcript NM_001379200.1 (MANE Select); coding-DNA position 781, A replaced by G.
Protein change: p.Ser261Gly; replaces serine 261 with glycine.
Molecular consequence: missense variant.
Genome position (GRCh38, 1-based): chr22:19,765,027, A>G. VCF-style: chr22-19765027-A-G. GRCh37 (hg19) VCF-style: chr22-19752550-A-G.
Other names: c.754A>G, p.Ser252Gly (NM_005992.1, NM_080646.2, NM_080647.1); short protein forms S252G, S261G.
Identifiers: ClinVar variation 1311722 (VCV001311722.2), dbSNP rs2145835171, ClinGen allele CA410683369.